The following is an entry in ClinVar:

ClinVar aggregate classification (germline): Pathogenic (1 of 4 stars; one submission).

Conditions:
Mowat-Wilson syndrome (MOWS). Also called: Classic Mowat-Wilson Syndrome. Identifiers: Orphanet 2152, MedGen C1856113, MONDO:0009341, OMIM 235730.

Submission:

Labcorp Genetics (formerly Invitae), Labcorp
Classification: Pathogenic for Mowat-Wilson syndrome. Last evaluated: 2021-11-09. Review status: criteria provided, single submitter. Criteria: Invitae Variant Classification Sherloc (09022015). Collection method: clinical testing. Allele origin: germline.
Comment: For these reasons, this variant has been classified as Pathogenic. Algorithms developed to predict the effect of sequence changes on RNA splicing suggest that this variant may create or strengthen a splice site. This variant has not been reported in the literature in individuals affected with ZEB2-related conditions. This variant is not present in population databases (gnomAD no frequency). This sequence change creates a premature translational stop signal (p.Gln474*) in the ZEB2 gene. It is expected to result in an absent or disrupted protein product. Loss-of-function variants in ZEB2 are known to be pathogenic (PMID: 16053902).

Literature cited by the submitters: PubMed 16053902.

NM_014795.4(ZEB2):c.1420C>T (p.Gln474Ter)

Gene: ZEB2 (zinc finger E-box binding homeobox 2; minus strand). Cytogenetic location: 2q22.3.
Variant type: single nucleotide variant.
Coding change: c.1420C>T on transcript NM_014795.4 (MANE Select); coding-DNA position 1420, C replaced by T.
Protein change: p.Gln474Ter; replaces glutamine 474 with a stop codon.
Molecular consequence: nonsense.
Genome position (GRCh38, 1-based): chr2:144,399,767, G>A on the plus strand (C>T on the coding strand, the complement: ZEB2 is on the minus strand). VCF-style: chr2-144399767-G-A. GRCh37 (hg19) VCF-style: chr2-145157334-G-A.
Other names: c.1348C>T, p.Gln450Ter (NM_001171653.2); short protein forms Q474*, Q450*.
Identifiers: ClinVar variation 1458180 (VCV001458180.6), dbSNP rs2149877279, ClinGen allele CA348711889.